The following is an entry in ClinVar:

NM_000142.5(FGFR3):c.931-706G>A

Gene: FGFR3 (fibroblast growth factor receptor 3; plus strand). Cytogenetic location: 4p16.3.
Variant type: single nucleotide variant.
Coding change: c.931-706G>A on transcript NM_000142.5 (MANE Select); 706 bases into the intron before coding-DNA position 931, G replaced by A.
Molecular consequence: intron variant. On other transcripts: missense variant (1), non-coding transcript variant (1).
Genome position (GRCh38, 1-based): chr4:1,802,986, G>A. VCF-style: chr4-1802986-G-A. GRCh37 (hg19) VCF-style: chr4-1804713-G-A.
Other names: c.1003G>A, p.Glu335Lys (NM_001163213.2); c.931-706G>A (NM_001354809.2, NM_001354810.2); c.930+961G>A (NM_022965.4); short protein forms E335K.
Identifiers: ClinVar variation 4980062 (VCV004980062.1).

ClinVar aggregate classification (germline): Uncertain significance (1 of 4 stars; one submission).

Conditions:
FGFR3-related disorder. Also called: FGFR3-related disorders.

Submission:

PreventionGenetics, part of Exact Sciences
Classification: Uncertain significance for FGFR3-related condition. Last evaluated: 2025-12-08. Review status: criteria provided, single submitter. Criteria: ACMG Guidelines, 2015. Collection method: clinical testing. Allele origin: germline.
Comment: The FGFR3 c.1003G>A variant is predicted to result in the amino acid substitution p.Glu335Lys. To our knowledge, this variant has not been reported in the literature. This variant is reported in 0.014% of alleles in individuals of African descent in gnomAD. Although we suspect that this variant may be benign, at this time, the clinical significance of this variant is uncertain due to the absence of conclusive functional and genetic evidence.